The following is an entry in ClinVar:

ClinVar aggregate classification (germline): Conflicting classifications of pathogenicity. Review status: criteria provided, conflicting classifications (1 of 4 stars). 4 submissions from 4 submitters: Likely pathogenic (2); Uncertain significance (2). Last evaluated 2026-10-31.

Conditions:
Short-rib thoracic dysplasia 17 with or without polydactyly (SRTD17). Identifiers: MedGen C4479416, MONDO:0054565, OMIM 617405.

Allele frequency attached by ClinVar (database versions not stated): gnomAD exomes 0.00011 and 0.00027; 1000 Genomes Project 30x 0.00031; gnomAD 0.00171 and 0.00153; TOPMed 0.00160; 1000 Genomes Project 0.00040; ESP Exome Variant Server 0.00185.
gnomAD v4.1: 401 of 1,603,212 alleles (0.025%); highest among the groups gnomAD compares: African/African-American, 0.5%; 1 homozygote.

Submissions (4):

Department of Molecular Genetics, Istishari Arab Hospital
Classification: Likely pathogenic for Short-rib thoracic dysplasia 17 with or without polydactyly. Last evaluated: 2026-10-31. Review status: criteria provided, single submitter. Criteria: ACMG Guidelines, 2015. Collection method: clinical testing. Allele origin: germline. Inheritance: Autosomal recessive inheritance. Affected: no.
Comment: The TCTEX1D2 (DYNLT2B) variant c.114-1G>A affects the canonical splice acceptor site and is predicted to disrupt normal RNA splicing. The variant is observed with very low frequency in the gnomAD v4.1.0 dataset, and to the best of our knowledge, it was not previously reported in the literature. Loss-of-function variants in TCTEX1D2 are known to be pathogenic (PMID: 26044572). It is classified as likely pathogenic according to the recommendations of ACMG/AMP/ClinGen SVI guidelines

First Genomix Gene Laboratory, Genetic Diagnostics Department
Classification: Likely pathogenic for Short-rib thoracic dysplasia 17 with or without polydactyly. Last evaluated: 2025-05-22. Review status: criteria provided, single submitter. Criteria: ACMG Guidelines, 2015. Collection method: clinical testing. Allele origin: germline. Inheritance: Autosomal recessive inheritance. Affected: no. Observed: 1 variant allele.

Blueprint Genetics
Classification: Uncertain significance. Last evaluated: 2024-07-17. Review status: criteria provided, single submitter. Criteria: ACMG Guidelines, 2015. Collection method: clinical testing. Allele origin: germline.

Labcorp Genetics (formerly Invitae), Labcorp
Classification: Uncertain significance. Last evaluated: 2022-10-13. Review status: criteria provided, single submitter. Criteria: Invitae Variant Classification Sherloc (09022015). Collection method: clinical testing. Allele origin: germline.
Comment: This sequence change affects an acceptor splice site in intron 1 of the TCTEX1D2 gene. It is expected to disrupt RNA splicing. Variants that disrupt the donor or acceptor splice site typically lead to a loss of protein function (PMID: 16199547), and loss-of-function variants in TCTEX1D2 are known to be pathogenic (PMID: 26044572). This variant is present in population databases (rs149665976, gnomAD 0.4%). This variant has not been reported in the literature in individuals affected with TCTEX1D2-related conditions. ClinVar contains an entry for this variant (Variation ID: 732953). Algorithms developed to predict the effect of sequence changes on RNA splicing suggest that this variant may disrupt the consensus splice site. In summary, the available evidence is currently insufficient to determine the role of this variant in disease. Therefore, it has been classified as a Variant of Uncertain Significance.

Literature cited by the submitters: PubMed 26044572 (cited by Department of Molecular Genetics, Istishari Arab Hospital and Labcorp Genetics (formerly Invitae), Labcorp); PubMed 16199547 (cited by Labcorp Genetics (formerly Invitae), Labcorp).

NM_152773.5(DYNLT2B):c.114-1G>A

Genes: DYNLT2B (dynein light chain Tctex-type 2B; minus strand), TM4SF19-DYNLT2B (TM4SF19-DYNLT2B readthrough (NMD candidate); minus strand). Cytogenetic location: 3q29.
Variant type: single nucleotide variant.
Coding change: c.114-1G>A on transcript NM_152773.5 (MANE Select); the canonical splice acceptor site of the intron before coding-DNA position 114, G replaced by A.
Molecular consequence: splice acceptor variant.
Genome position (GRCh38, 1-based): chr3:196,316,232, C>T on the plus strand (G>A on the coding strand, the complement: DYNLT2B is on the minus strand). VCF-style: chr3-196316232-C-T. GRCh37 (hg19) VCF-style: chr3-196043103-C-T.
Other names: c.114-1G>A (NM_001351628.2).
Identifiers: ClinVar variation 732953 (VCV000732953.11), dbSNP rs149665976, ClinGen allele CA2779800.